The following is an entry in ClinVar:

ClinVar aggregate classification (germline): Likely pathogenic (1 of 4 stars; one submission).

Conditions:
Fabry disease. Also called: ALPHA-GALACTOSIDASE A DEFICIENCY; ANDERSON-FABRY DISEASE; CERAMIDE TRIHEXOSIDASE DEFICIENCY; GLA DEFICIENCY; HEREDITARY DYSTOPIC LIPIDOSIS; Angiokeratoma corporis diffusum. Identifiers: Orphanet 324, MedGen C0002986, MONDO:0010526, OMIM 301500, HP:0001071. Disease mechanism: Fabry disease is due to inactivating mutations in the X-linked GLA gene resulting in deficiency of the enzyme Alpha Galactosidase-A., loss of function.

Submission:

Genomenon, Inc
Classification: Likely pathogenic for Fabry disease. Last evaluated: 2026-09-08. Review status: criteria provided, single submitter. Criteria: Genomenon Sequence Variant Interpretation Standards - Updated. Collection method: curation. Allele origin: germline. Affected: yes.
Comment: GLA p.Gln327His (c.981A>C) is a missense variant that changes the amino acid at codon 327 from Glutamine to Histidine. This variant has been observed in at least one proband with clinical features consistent with Fabry disease (PMID:38002959;39182239). The presence of pathogenic/likely pathogenic missense variant(s) at the same amino acid position indicates that this residue is likely important for protein function. It is absent or not present at a significant frequency in gnomAD. In silico models predict that this variant is possibly or probably damaging. In conclusion, we classify GLA p.Gln327His (c.981A>C) as a likely pathogenic variant.

Literature cited by the submitters: PubMed 38002959; PubMed 39182239.

NM_000169.3(GLA):c.981A>C (p.Gln327His)

Genes: GLA (galactosidase alpha; minus strand), RPL36A-HNRNPH2 (RPL36A-HNRNPH2 readthrough; plus strand). Cytogenetic location: Xq22.1.
Variant type: single nucleotide variant.
Coding change: c.981A>C on transcript NM_000169.3 (MANE Select); coding-DNA position 981, A replaced by C.
Protein change: p.Gln327His; replaces glutamine 327 with histidine.
Molecular consequence: missense variant. On other transcripts: non-coding transcript variant (3), intron variant (2).
Genome position (GRCh38, 1-based): chrX:101,398,388, T>G on the plus strand (A>C on the coding strand, the complement: GLA is on the minus strand). VCF-style: chrX-101398388-T-G. GRCh37 (hg19) VCF-style: chrX-100653376-T-G.
Other names: c.1104A>C, p.Gln368His (NM_001406747.1); c.981A>C, p.Gln327His (NM_001406748.1); c.300+2931T>G (NM_001199973.2); c.177+6566T>G (NM_001199974.2); short protein forms Q327H, Q368H.
Identifiers: ClinVar variation 4087611 (VCV004087611.2).
Genomic context (GRCh38, chrX:101,398,388, plus strand): 5'-TTGGGTATATAAAGCCATCTTAAAATATATACTCTTATTTACCTGTCTAAGCTGGTACCC[T>G]TGCTTGCCCAAGGGGTCCTGATTGATGGCAATTACGTCCTTATCCTGAAGGAGAGCTTTG-3'
Protein context (NP_000160.1, residues 317-337): IAINQDPLGK[Gln327His]GYQLRQGDNF